The following is an entry in ClinVar:

ClinVar aggregate classification (germline): Pathogenic (1 of 4 stars; one submission).

Conditions:
Primary ciliary dyskinesia. Also called: Ciliary dyskinesia. Identifiers: Orphanet 244, MedGen C0008780, MONDO:0016575, HP:0012265.

Submission:

Labcorp Genetics (formerly Invitae), Labcorp
Classification: Pathogenic for Primary ciliary dyskinesia. Last evaluated: 2024-08-06. Review status: criteria provided, single submitter. Criteria: Invitae Variant Classification Sherloc (09022015). Collection method: clinical testing. Allele origin: germline.
Comment: This sequence change creates a premature translational stop signal (p.Glu765*) in the RPGR (ORF15) gene. While this is not anticipated to result in nonsense mediated decay, it is expected to disrupt the last 388 amino acid(s) of the RPGR (ORF15) protein. This variant is not present in population databases (gnomAD no frequency). This premature translational stop signal has been observed in individual(s) with clinical features of retinitis pigmentosa (PMID: 14564670, 31054281). This variant is also known as ORF15E180Ter. ClinVar contains an entry for this variant (Variation ID: 1460223). This variant disrupts a region of the RPGR (ORF15) protein in which other variant(s) (p.Leu1130Lysfs*13) have been determined to be pathogenic (PMID: 22264887; Invitae). This suggests that this is a clinically significant region of the protein, and that variants that disrupt it are likely to be disease-causing. For these reasons, this variant has been classified as Pathogenic.

Literature cited by the submitters: PubMed 14564670; PubMed 31054281; PubMed 22264887.

NM_001034853.2(RPGR):c.2293G>T (p.Glu765Ter)

Gene: RPGR (retinitis pigmentosa GTPase regulator; minus strand). Cytogenetic location: Xp11.4.
Variant type: single nucleotide variant.
Coding change: c.2293G>T on transcript NM_001034853.2 (MANE Select); coding-DNA position 2293, G replaced by T.
Protein change: p.Glu765Ter; replaces glutamic acid 765 with a stop codon.
Molecular consequence: nonsense. On other transcripts: intron variant (8).
Genome position (GRCh38, 1-based): chrX:38,286,706, C>A on the plus strand (G>T on the coding strand, the complement: RPGR is on the minus strand). VCF-style: chrX-38286706-C-A. GRCh37 (hg19) VCF-style: chrX-38145959-C-A.
Other names: c.1569+4253G>T (NM_001367249.1, NM_001367250.1); c.1902+388G>T (NM_001367245.1); c.1386+4253G>T (NM_001367251.1); c.1719+388G>T (NM_001367246.1); c.1572+4253G>T (NM_001367247.1); c.1905+388G>T (NM_000328.3); c.1602+4253G>T (NM_001367248.1); short protein forms E765*.
Identifiers: ClinVar variation 1460223 (VCV001460223.6), dbSNP rs2147198765, ClinGen allele CA412730985.